The following is an entry in ClinVar:

ClinVar aggregate classification (germline): Likely benign. Review status: criteria provided, multiple submitters, no conflicts (2 of 4 stars). 4 submissions from 4 submitters: Likely benign (4). Last evaluated 2025-08-25.

Conditions:
Cardiovascular phenotype. Identifiers: MedGen CN230736.
Arrhythmogenic right ventricular cardiomyopathy (ARVD). Also called: Arrhythmogenic cardiomyopathy; Cardiomyopathy, ARVC; Arrhythmogenic right ventricular dysplasia; Arrhythmogenic Right Ventricular Cardiomyopathy (ARVC). Identifiers: Orphanet 247, MedGen C0349788, MeSH D019571, MONDO:0016587. Disease mechanism: loss of function. Inheritance: Various modes of inheritance.
Cardiomyopathy (CMYO). Also called: Cardiomyopathies. Identifiers: Orphanet 167848, MedGen C0878544, MONDO:0004994, HP:0001638. Inheritance: Various modes of inheritance.
Arrhythmogenic right ventricular dysplasia 10. Also called: Arrhythmogenic Right Ventricular Dysplasia/Cardiomyopathy10; ARRHYTHMOGENIC RIGHT VENTRICULAR DYSPLASIA, FAMILIAL, 10; Arrhythmogenic right ventricular dysplasia/cardiomyopathy, type 10. Identifiers: MedGen C1857777, MONDO:0012434, OMIM 610193.

Allele frequency attached by ClinVar (database versions not stated): gnomAD 0.00001; TOPMed 0.00002.
gnomAD v4.1: 22 of 1,614,004 alleles (0.0014%); highest among the groups gnomAD compares: Non-Finnish European, 0.0017%; no homozygotes.

Submissions (4):

Labcorp Genetics (formerly Invitae), Labcorp
Classification: Likely benign for Arrhythmogenic right ventricular dysplasia 10. Last evaluated: 2025-08-25. Review status: criteria provided, single submitter. Criteria: Invitae Variant Classification Sherloc (09022015). Collection method: clinical testing. Allele origin: germline.

All of Us Research Program, National Institutes of Health
Classification: Likely benign for Arrhythmogenic right ventricular cardiomyopathy. Last evaluated: 2023-11-13. Review status: criteria provided, single submitter. Criteria: ACMG Guidelines, 2015. Collection method: clinical testing. Allele origin: germline. Inheritance: Autosomal dominant inheritance. Observed: 4 variant alleles, 4 heterozygotes.
Comment: This study involves interpretation of variants in research participants for the purpose of population health screening. Participant phenotype was not available at the time of variant classification. Additional details can be found in publication PMID: 35346344, PMCID: PMC8962531

Ambry Genetics
Classification: Likely benign for Cardiovascular phenotype. Last evaluated: 2022-09-02. Review status: criteria provided, single submitter. Criteria: Ambry Variant Classification Scheme 2023. Collection method: clinical testing. Allele origin: germline.

Color Diagnostics, LLC DBA Color Health
Classification: Likely benign for Cardiomyopathy. Last evaluated: 2020-01-10. Review status: criteria provided, single submitter. Criteria: ACMG Guidelines, 2015. Collection method: clinical testing. Allele origin: germline.

NM_001943.5(DSG2):c.1116C>G (p.Pro372=)

Gene: DSG2 (desmoglein 2; plus strand). Cytogenetic location: 18q12.1.
Variant type: single nucleotide variant.
Coding change: c.1116C>G on transcript NM_001943.5 (MANE Select); coding-DNA position 1116, C replaced by G.
Protein change: p.Pro372=; no amino-acid change (proline 372 retained).
Molecular consequence: synonymous variant.
Genome position (GRCh38, 1-based): chr18:31,531,088, C>G. VCF-style: chr18-31531088-C-G. GRCh37 (hg19) VCF-style: chr18-29111051-C-G.
Identifiers: ClinVar variation 699797 (VCV000699797.13), dbSNP rs542079618, ClinGen allele CA503765767.